The following is an entry in ClinVar:

NM_001256789.3(CACNA1F):c.4619G>A (p.Arg1540Gln)

Genes: CACNA1F (calcium voltage-gated channel subunit alpha1 F; minus strand), LOC126863257 (BRD4-independent group 4 enhancer GRCh37_chrX:49065732-49066931; plus strand). Cytogenetic location: Xp11.23.
Variant type: single nucleotide variant.
Coding change: c.4619G>A on transcript NM_001256789.3 (MANE Select); coding-DNA position 4619, G replaced by A.
Protein change: p.Arg1540Gln; replaces arginine 1540 with glutamine.
Molecular consequence: missense variant.
Genome position (GRCh38, 1-based): chrX:49,210,012, C>T on the plus strand (G>A on the coding strand, the complement: CACNA1F is on the minus strand). VCF-style: chrX-49210012-C-T. GRCh37 (hg19) VCF-style: chrX-49066472-C-T.
Other names: c.4457G>A, p.Arg1486Gln (NM_001256790.3); c.4652G>A, p.Arg1551Gln (NM_005183.4); short protein forms R1486Q, R1540Q, R1551Q.
Identifiers: ClinVar variation 957898 (VCV000957898.10), dbSNP rs1424417130, ClinGen allele CA412960599.

ClinVar aggregate classification (germline): Uncertain significance (1 of 4 stars; one submission).

Allele frequency attached by ClinVar (database versions not stated): TOPMed below 0.00001.
gnomAD v4.1: 1 of 1,209,924 alleles (0.000083%); highest among the groups gnomAD compares: Non-Finnish European, 0.00011%; no homozygotes.

Submission:

Labcorp Genetics (formerly Invitae), Labcorp
Classification: Uncertain significance. Last evaluated: 2019-07-30. Review status: criteria provided, single submitter. Criteria: Invitae Variant Classification Sherloc (09022015). Collection method: clinical testing. Allele origin: germline.
Comment: Algorithms developed to predict the effect of missense changes on protein structure and function are either unavailable or do not agree on the potential impact of this missense change (SIFT: "Deleterious"; PolyPhen-2: "Benign"; Align-GVGD: "Class C0"). This sequence change replaces arginine with glutamine at codon 1551 of the CACNA1F protein (p.Arg1551Gln). The arginine residue is highly conserved and there is a small physicochemical difference between arginine and glutamine. This variant is not present in population databases (ExAC no frequency). This variant has not been reported in the literature in individuals with CACNA1F-related conditions. In summary, the available evidence is currently insufficient to determine the role of this variant in disease. Therefore, it has been classified as a Variant of Uncertain Significance.